The following is an entry in ClinVar:

NM_001354604.2(MITF):c.1198C>A (p.Arg400=)

Gene: MITF (melanocyte inducing transcription factor; plus strand). Cytogenetic location: 3p13.
Variant type: single nucleotide variant.
Coding change: c.1198C>A on transcript NM_001354604.2 (MANE Select); coding-DNA position 1198, C replaced by A.
Protein change: p.Arg400=; no amino-acid change (arginine 400 retained).
Molecular consequence: synonymous variant.
Genome position (GRCh38, 1-based): chr3:69,964,865, C>A. VCF-style: chr3-69964865-C-A. GRCh37 (hg19) VCF-style: chr3-70014016-C-A.
Other names: c.877C>A, p.Arg293= (NM_000248.4); c.1024C>A, p.Arg342= (NM_001184967.2, NM_001354608.2); c.1195C>A, p.Arg399= (NM_001354605.2); c.1177C>A, p.Arg393= (NM_001354606.2, NM_006722.3); c.1129C>A, p.Arg377= (NM_001354607.2); c.859C>A, p.Arg287= (NM_198158.3); c.1180C>A, p.Arg394= (NM_198159.3); c.1132C>A, p.Arg378= (NM_198177.3); and 1 more.
Identifiers: ClinVar variation 2947873 (VCV002947873.3), dbSNP rs1464157509, ClinGen allele CA434433337.
Genomic context (GRCh38, chr3:69,964,865, plus strand): 5'-TGCTCTGCCTATTTCAGTGTTTTATCTTTACTCTTATTATAGGAACTTGAAATGCAGGCT[C>A]GAGCTCATGGACTTTCCCTTATTCCATCCACGGGTCTCTGCTCTCCAGATTTGGTGAATC-3'
Protein context (NP_001341533.1, residues 390-410): LRIQELEMQA[Arg400=]AHGLSLIPST

ClinVar aggregate classification (germline): Uncertain significance (1 of 4 stars; one submission).

Conditions:
Tietz syndrome (TADS). Also called: ALBINISM-DEAFNESS OF TIETZ; HYPOPIGMENTATION/DEAFNESS OF TIETZ; TIETZ ALBINISM-DEAFNESS SYNDROME. Identifiers: Orphanet 42665, MedGen C0391816, MONDO:0007077, OMIM 103500.
Waardenburg syndrome type 2A (WS2A). Also called: WAARDENBURG SYNDROME WITHOUT DYSTOPIA CANTHORUM. Identifiers: Orphanet 3440, MedGen C1860339, MONDO:0008671, OMIM 193510.
Melanoma, cutaneous malignant, susceptibility to, 8. Also called: MELANOMA AND RENAL CELL CARCINOMA, SUSCEPTIBILITY TO; Cutaneous malignant melanoma 8. Identifiers: Orphanet 293822, MedGen C3152204, MONDO:0013759, OMIM 614456.

gnomAD v4.1: 2 of 1,613,946 alleles (0.00012%); highest among the groups gnomAD compares: Non-Finnish European, 0.00017%; no homozygotes.

Submission:

Labcorp Genetics (formerly Invitae), Labcorp
Classification: Uncertain significance for Melanoma, cutaneous malignant, susceptibility to, 8; Waardenburg syndrome type 2A; Tietz syndrome. Last evaluated: 2024-11-14. Review status: criteria provided, single submitter. Criteria: Invitae Variant Classification Sherloc (09022015). Collection method: clinical testing. Allele origin: germline.
Comment: This sequence change affects codon 293 of the MITF mRNA. It is a 'silent' change, meaning that it does not change the encoded amino acid sequence of the MITF protein. This variant is present in population databases (no rsID available, gnomAD 0.002%). This variant has not been reported in the literature in individuals affected with MITF-related conditions. ClinVar contains an entry for this variant (Variation ID: 2947873). Algorithms developed to predict the effect of sequence changes on RNA splicing suggest that this variant may disrupt the consensus splice site. In summary, the available evidence is currently insufficient to determine the role of this variant in disease. Therefore, it has been classified as a Variant of Uncertain Significance.